The following is an entry in ClinVar:

ClinVar aggregate classification (germline): Likely pathogenic (1 of 4 stars; one submission).

Conditions:
Autosomal dominant Alport syndrome (ATS3A). Also called: Alport syndrome dominant type; Renal failure and sensorineural hearing loss; ALPORT SYNDROME 3A, AUTOSOMAL DOMINANT. Identifiers: Orphanet 63, Orphanet 88918, MedGen C5882663, MONDO:0007086, OMIM 104200.

Submission:

MVZ Medizinische Genetik Mainz
Classification: Likely pathogenic for Autosomal dominant Alport syndrome. Last evaluated: 2026-08-24. Review status: criteria provided, single submitter. Criteria: UK Practice Guidelines For Variant Classification V4 01 2020. Collection method: clinical testing. Allele origin: germline. Inheritance: Autosomal dominant inheritance. Affected: yes. Observed: 1 variant allele.
Comment: ACMG Criteria: PVS1,PM2_SUP

NM_000091.5(COL4A3):c.4516_4517insTTAC (p.Asn1506fs)

Genes: COL4A3 (collagen type IV alpha 3 chain; plus strand), MFF-DT (MFF divergent transcript; minus strand). Cytogenetic location: 2q36.3.
Variant type: Insertion.
Coding change: c.4516_4517insTTAC on transcript NM_000091.5 (MANE Select); coding-DNA positions 4516 to 4517, TTAC inserted.
Protein change: p.Asn1506fs; shifts the reading frame from asparagine 1506.
Molecular consequence: frameshift variant.
Genome position: GRCh38 VCF-style: chr2-227308952-A-ATTAC. GRCh37 (hg19) VCF-style: chr2-228173668-A-ATTAC.
Other names: short protein forms N1506fs.
Identifiers: ClinVar variation 5010188 (VCV005010188.1).
Genomic context (GRCh38, chr2:227,308,952, plus strand): 5'-TCATTAGGAACTCTTGGCAGCTGCCTGCAGCGATTTACCACAATGCCATTCTTATTCTGC[A>ATTAC]ATGTCAATGATGTATGTAATTTTGCATCTCGAAATGATTATTCATACTGGCTGTCAACAC-3'